The following is an entry in ClinVar:

NM_002386.4(MC1R):c.541G>A (p.Ala181Thr)

Gene: MC1R (melanocortin 1 receptor; plus strand). Cytogenetic location: 16q24.3.
Variant type: single nucleotide variant.
Coding change: c.541G>A on transcript NM_002386.4 (MANE Select); coding-DNA position 541, G replaced by A.
Protein change: p.Ala181Thr; replaces alanine 181 with threonine.
Molecular consequence: missense variant.
Genome position (GRCh38, 1-based): chr16:89,919,799, G>A. VCF-style: chr16-89919799-G-A. GRCh37 (hg19) VCF-style: chr16-89986207-G-A.
Other names: c.541G>A (NM_002386.3); short protein forms A181T.
Identifiers: ClinVar variation 2042101 (VCV002042101.5), dbSNP rs763647934, ClinGen allele CA8255649.

ClinVar aggregate classification (germline): Conflicting classifications of pathogenicity. Review status: criteria provided, conflicting classifications (1 of 4 stars). 2 submissions from 2 submitters: Uncertain significance (1); Likely benign (1). Last evaluated 2025-02-26.

Conditions:
Melanoma, cutaneous malignant, susceptibility to, 5. Also called: Cutaneous malignant melanoma 5. Identifiers: Orphanet 618, MedGen C2751295, MONDO:0013133, OMIM 613099.

Allele frequency attached by ClinVar (database versions not stated): ExAC 0.00002; gnomAD exomes 0.00002; TOPMed 0.00002; gnomAD 0.00001.

Submissions (2):

Labcorp Genetics (formerly Invitae), Labcorp
Classification: Uncertain significance for Melanoma, cutaneous malignant, susceptibility to, 5. Last evaluated: 2025-02-26. Review status: criteria provided, single submitter. Criteria: Invitae Variant Classification Sherloc (09022015). Collection method: clinical testing. Allele origin: germline.
Comment: This sequence change replaces alanine, which is neutral and non-polar, with threonine, which is neutral and polar, at codon 181 of the MC1R protein (p.Ala181Thr). This variant is present in population databases (rs763647934, gnomAD 0.003%). This variant has not been reported in the literature in individuals affected with MC1R-related conditions. ClinVar contains an entry for this variant (Variation ID: 2042101). Invitae Evidence Modeling of protein sequence and biophysical properties (such as structural, functional, and spatial information, amino acid conservation, physicochemical variation, residue mobility, and thermodynamic stability) indicates that this missense variant is not expected to disrupt MC1R protein function with a negative predictive value of 80%. In summary, the available evidence is currently insufficient to determine the role of this variant in disease. Therefore, it has been classified as a Variant of Uncertain Significance.

Ambry Genetics
Classification: Likely benign. Last evaluated: 2024-11-21. Review status: criteria provided, single submitter. Criteria: Ambry Variant Classification Scheme 2023. Collection method: clinical testing. Allele origin: germline.